The following is an entry in ClinVar:

NM_000138.5(FBN1):c.3109_3112dup (p.Leu1038fs)

Gene: FBN1 (fibrillin 1; minus strand). Cytogenetic location: 15q21.1.
Variant type: Duplication.
Coding change: c.3109_3112dup on transcript NM_000138.5 (MANE Select); coding-DNA positions 3109 to 3112, 4 bases duplicated (AGCC; older notation c.3109_3112dupAGCC).
Protein change: p.Leu1038fs; shifts the reading frame from leucine 1038.
Molecular consequence: frameshift variant.
Genome position (GRCh38, 1-based): chr15:48,488,464-48,488,467, GGCT duplicated on the plus strand (AGCC on the coding strand, the reverse complement: FBN1 is on the minus strand); duplicating any 4 consecutive bases within chr15:48,488,464-48,488,469 gives the same sequence; the c. name uses the placement nearest the transcript's 3' end. VCF-style (leftmost placement, unchanged base first): chr15-48488463-A-AGGCT. GRCh37 (hg19) VCF-style: chr15-48780660-A-AGGCT.
Other names: short protein forms L1038fs.
Identifiers: ClinVar variation 843388 (VCV000843388.8), dbSNP rs2043529080, ClinGen allele CA916082401.

ClinVar aggregate classification (germline): Pathogenic (1 of 4 stars; one submission).

Conditions:
Familial thoracic aortic aneurysm and aortic dissection (TAAD). Also called: Thoracic aortic aneurysms and dissections. Identifiers: Orphanet 91387, MedGen C4707243, MONDO:0019625.
Marfan syndrome (MFS). Also called: FBN1-Related Marfan Syndrome; Marfan's syndrome; MARFAN SYNDROME, TYPE I; Marfan syndrome type 1; Marfan syndrome, classic. Identifiers: Orphanet 284963, Orphanet 558, MedGen C0024796, MONDO:0007947, OMIM 154700.

Submission:

Labcorp Genetics (formerly Invitae), Labcorp
Classification: Pathogenic for Marfan syndrome; Familial thoracic aortic aneurysm and aortic dissection. Last evaluated: 2020-07-08. Review status: criteria provided, single submitter. Criteria: Invitae Variant Classification Sherloc (09022015). Collection method: clinical testing. Allele origin: germline.
Comment: For these reasons, this variant has been classified as Pathogenic. Loss-of-function variants in FBN1 are known to be pathogenic (PMID: 17657824, 19293843). This variant has not been reported in the literature in individuals with FBN1-related conditions. ClinVar contains an entry for this variant (Variation ID: 843388). This variant is not present in population databases (ExAC no frequency). This sequence change creates a premature translational stop signal (p.Leu1038Glnfs*16) in the FBN1 gene. It is expected to result in an absent or disrupted protein product.

Literature cited by the submitters: PubMed 17657824; PubMed 19293843.